The following is an entry in ClinVar:

NM_005869.4(CWC27):c.1236A>T (p.Glu412Asp)

Gene: CWC27 (CWC27 spliceosome associated cyclophilin; plus strand). Cytogenetic location: 5q12.3.
Variant type: single nucleotide variant.
Coding change: c.1236A>T on transcript NM_005869.4 (MANE Select); coding-DNA position 1236, A replaced by T.
Protein change: p.Glu412Asp; replaces glutamic acid 412 with aspartic acid.
Molecular consequence: missense variant. On other transcripts: intron variant (1).
Genome position (GRCh38, 1-based): chr5:64,977,218, A>T. VCF-style: chr5-64977218-A-T. GRCh37 (hg19) VCF-style: chr5-64273045-A-T.
Other names: c.1152+5406A>T (NM_001297644.1); short protein forms E412D.
Identifiers: ClinVar variation 1005395 (VCV001005395.8), dbSNP rs150642131, ClinGen allele CA3282261.

ClinVar aggregate classification (germline): Conflicting classifications of pathogenicity. Review status: criteria provided, conflicting classifications (1 of 4 stars). 2 submissions from 2 submitters: Uncertain significance (1); Likely benign (1). Last evaluated 2024-12-09.

Allele frequency attached by ClinVar (database versions not stated): ExAC 0.00005; TOPMed 0.00005; gnomAD exomes 0.00006 and 0.00010; gnomAD 0.00007; ESP Exome Variant Server 0.00023.
gnomAD v4.1: 147 of 1,610,426 alleles (0.0091%); highest among the groups gnomAD compares: Non-Finnish European, 0.012%; no homozygotes.

Submissions (2):

Labcorp Genetics (formerly Invitae), Labcorp
Classification: Uncertain significance. Last evaluated: 2024-12-09. Review status: criteria provided, single submitter. Criteria: Invitae Variant Classification Sherloc (09022015). Collection method: clinical testing. Allele origin: germline.
Comment: This sequence change replaces glutamic acid, which is acidic and polar, with aspartic acid, which is acidic and polar, at codon 412 of the CWC27 protein (p.Glu412Asp). This variant is present in population databases (rs150642131, gnomAD 0.02%). This variant has not been reported in the literature in individuals affected with CWC27-related conditions. ClinVar contains an entry for this variant (Variation ID: 1005395). An algorithm developed to predict the effect of missense changes on protein structure and function (PolyPhen-2) suggests that this variant¬†is likely to be tolerated. In summary, the available evidence is currently insufficient to determine the role of this variant in disease. Therefore, it has been classified as a Variant of Uncertain Significance.

Blueprint Genetics
Classification: Likely benign. Last evaluated: 2024-03-18. Review status: criteria provided, single submitter. Criteria: ACMG Guidelines, 2015. Collection method: clinical testing. Allele origin: germline.